The following is an entry in ClinVar:

NM_000238.4(KCNH2):c.1629dup (p.Glu544fs)

Gene: KCNH2 (potassium voltage-gated channel subfamily H member 2; minus strand). Cytogenetic location: 7q36.1.
Variant type: Duplication.
Coding change: c.1629dup on transcript NM_000238.4 (MANE Select); coding-DNA position 1629, one base duplicated (A; older notation c.1629dupA).
Protein change: p.Glu544fs; shifts the reading frame from glutamic acid 544.
Molecular consequence: frameshift variant.
Genome position (GRCh38, 1-based): chr7:150,951,764, T duplicated on the plus strand (A on the coding strand, the reverse complement: KCNH2 is on the minus strand). VCF-style (leftmost placement, unchanged base first): chr7-150951763-C-CT. GRCh37 (hg19) VCF-style: chr7-150648851-C-CT.
Other names: c.609dup, p.Glu204fs (NM_001204798.2, NM_172057.3); c.1341dup, p.Glu448Argfs (NM_001406753.1, NM_001406756.1); c.1452dup, p.Glu485Argfs (NM_001406755.1); c.1329dup, p.Glu444Argfs (NM_001406757.1); c.1629dup, p.Glu544Argfs (NM_172056.3); short protein forms E544fs, E204fs.
Identifiers: ClinVar variation 1397577 (VCV001397577.12), dbSNP rs2116963916, ClinGen allele CA2573141870.

ClinVar aggregate classification (germline): Pathogenic. Review status: criteria provided, multiple submitters, no conflicts (2 of 4 stars). 3 submissions from 3 submitters: Pathogenic (3). Last evaluated 2024-09-18.

Conditions:
Cardiac arrhythmia. Also called: Arrhythmia; Cardiac rhythm disease. Identifiers: MedGen C0003811, MONDO:0007263, HP:0011675.
Long QT syndrome (LQTS). Identifiers: MedGen C0023976, MeSH D008133, MONDO:0002442. Disease mechanism: loss of function. Inheritance: Various modes of inheritance.

Submissions (3):

All of Us Research Program, National Institutes of Health
Classification: Pathogenic for Long QT syndrome. Last evaluated: 2024-09-18. Review status: criteria provided, single submitter. Criteria: ACMG Guidelines, 2015. Collection method: clinical testing. Allele origin: germline. Inheritance: Autosomal dominant inheritance. Observed: 2 variant alleles, 2 heterozygotes.
Comment: The c.1629dup (p.Glu544Argfs*111) variant in KCNH2 gene, that encodes for potassium voltage-gated channel subfamily H member 2, creates a premature termination codon that is predicted to lead to absent or truncated protein product. To our knowledge, this variant has not been reported in individuals with KCNH2-related conditions in the literature. Loss-of-function variants in KCNH2 are well known to be pathogenic and ClinGen score shows sufficient evidence of haploinsufficiency of this gene (PMID:18774102, 24530480, 10973849, 19862833). This variant is absent in the general population database gnomAD v4.1.0. Loss-of-function variants downstream of this variant are reported to be pathogenic in individuals with long QT syndrome (PMID: 16244680, 26669661) and classified as pathogenic by several ClinVar submitters (ClinVar ID: 648088, 943351, 526968). Therefore, the c.1629dup (p.Glu544Argfs*111) variant in KCNH2 gene is classified as pathogenic.

This study involves interpretation of variants in research participants for the purpose of population health screening. Participant phenotype was not available at the time of variant classification. Additional details can be found in publication PMID: 35346344, PMCID: PMC8962531

Labcorp Genetics (formerly Invitae), Labcorp
Classification: Pathogenic for Long QT syndrome. Last evaluated: 2024-05-15. Review status: criteria provided, single submitter. Criteria: Invitae Variant Classification Sherloc (09022015). Collection method: clinical testing. Allele origin: germline.
Comment: This sequence change creates a premature translational stop signal (p.Glu544Argfs*111) in the KCNH2 gene. It is expected to result in an absent or disrupted protein product. Loss-of-function variants in KCNH2 are known to be pathogenic (PMID: 10973849, 19862833). This variant is not present in population databases (gnomAD no frequency). This variant has not been reported in the literature in individuals affected with KCNH2-related conditions. ClinVar contains an entry for this variant (Variation ID: 1397577). For these reasons, this variant has been classified as Pathogenic.

Color Diagnostics, LLC DBA Color Health
Classification: Pathogenic for Cardiac arrhythmia. Last evaluated: 2023-06-29. Review status: criteria provided, single submitter. Criteria: ACMG Guidelines, 2015. Collection method: clinical testing. Allele origin: germline.
Comment: This variant causes a duplication of 1 nucleotide in exon 7 of the KCNH2 gene, creating a frameshift and premature translation stop signal. This variant is expected to result in an absent or non-functional protein product. To our knowledge, this variant has not been reported in individuals affected with KCNH2-related disorders in the literature. This variant has not been identified in the general population by the Genome Aggregation Database (gnomAD). Loss of KCNH2 function is a known mechanism of disease. Based on the available evidence, this variant is classified as Pathogenic.

Literature cited by the submitters: PubMed 10973849 (cited by All of Us Research Program, National Institutes of Health and Labcorp Genetics (formerly Invitae), Labcorp); PubMed 16244680 (cited by All of Us Research Program, National Institutes of Health); PubMed 18774102 (cited by All of Us Research Program, National Institutes of Health); PubMed 19862833 (cited by All of Us Research Program, National Institutes of Health and Labcorp Genetics (formerly Invitae), Labcorp); PubMed 24530480 (cited by All of Us Research Program, National Institutes of Health); PubMed 26669661 (cited by All of Us Research Program, National Institutes of Health).